The following is an entry in ClinVar:

ClinVar aggregate classification (germline): Uncertain significance. Review status: criteria provided, multiple submitters, no conflicts (2 of 4 stars). 2 submissions from 2 submitters: Uncertain significance (2). Last evaluated 2025-06-06.

Conditions:
Aicardi-Goutieres syndrome 2. Identifiers: Orphanet 51, MedGen C3489724, MONDO:0012429, OMIM 610181.
Inborn genetic diseases. Identifiers: MedGen C0950123, MeSH D030342.

Allele frequency attached by ClinVar (database versions not stated): gnomAD exomes 0.00002 and 0.00005; ExAC 0.00003; gnomAD 0.00001; TOPMed 0.00003; ESP Exome Variant Server 0.00008.
gnomAD v4.1: 25 of 1,607,480 alleles (0.0016%); highest among the groups gnomAD compares: Admixed American, 0.005%; no homozygotes.

Submissions (2):

Ambry Genetics
Classification: Uncertain significance for Inborn genetic diseases. Last evaluated: 2025-06-06. Review status: criteria provided, single submitter. Criteria: Ambry Variant Classification Scheme 2023. Collection method: clinical testing. Allele origin: germline.

Labcorp Genetics (formerly Invitae), Labcorp
Classification: Uncertain significance for Aicardi-Goutieres syndrome 2. Last evaluated: 2022-07-28. Review status: criteria provided, single submitter. Criteria: Invitae Variant Classification Sherloc (09022015). Collection method: clinical testing. Allele origin: germline.
Comment: This sequence change replaces glutamic acid, which is acidic and polar, with valine, which is neutral and non-polar, at codon 143 of the RNASEH2B protein (p.Glu143Val). This variant is present in population databases (rs200535256, gnomAD 0.07%). This variant has not been reported in the literature in individuals affected with RNASEH2B-related conditions. ClinVar contains an entry for this variant (Variation ID: 652805). Algorithms developed to predict the effect of missense changes on protein structure and function are either unavailable or do not agree on the potential impact of this missense change (SIFT: "Deleterious"; PolyPhen-2: "Benign"; Align-GVGD: "Class C35"). In summary, the available evidence is currently insufficient to determine the role of this variant in disease. Therefore, it has been classified as a Variant of Uncertain Significance.

NM_024570.4(RNASEH2B):c.428A>T (p.Glu143Val)

Gene: RNASEH2B (ribonuclease H2 subunit B; plus strand). Cytogenetic location: 13q14.3.
Variant type: single nucleotide variant.
Coding change: c.428A>T on transcript NM_024570.4 (MANE Select); coding-DNA position 428, A replaced by T.
Protein change: p.Glu143Val; replaces glutamic acid 143 with valine.
Molecular consequence: missense variant.
Genome position (GRCh38, 1-based): chr13:50,934,991, A>T. VCF-style: chr13-50934991-A-T. GRCh37 (hg19) VCF-style: chr13-51509127-A-T.
Other names: c.428A>T, p.Glu143Val (NM_001142279.2); short protein forms E143V.
Identifiers: ClinVar variation 652805 (VCV000652805.10), dbSNP rs200535256, ClinGen allele CA6985561.